The following is an entry in ClinVar:

NM_000110.4(DPYD):c.2758A>C (p.Thr920Pro)

Genes: DPYD (dihydropyrimidine dehydrogenase; minus strand), DPYD-AS1 (DPYD antisense RNA 1; plus strand). Cytogenetic location: 1p21.3.
Variant type: single nucleotide variant.
Coding change: c.2758A>C on transcript NM_000110.4 (MANE Select); coding-DNA position 2758, A replaced by C.
Protein change: p.Thr920Pro; replaces threonine 920 with proline.
Molecular consequence: missense variant.
Genome position (GRCh38, 1-based): chr1:97,098,497, T>G on the plus strand (A>C on the coding strand, the complement: DPYD is on the minus strand). VCF-style: chr1-97098497-T-G. GRCh37 (hg19) VCF-style: chr1-97564053-T-G.
Other names: short protein forms T920P.
Identifiers: ClinVar variation 298280 (VCV000298280.8), dbSNP rs886046575, ClinGen allele CA10611669.
Genomic context (GRCh38, chr1:97,098,497, plus strand): 5'-GTATATTTAACCAGTAAAGTAGGCATACTTATATAGTTGGCATAATTTTTACCTTGATGG[T>G]AGGAATAGGCCTTTTGGGGATAAAACAGTTTCTCTTAAGTGGTGAAAAAGCTACATTTTG-3'
Protein context (NP_000101.2, residues 910-930): NCFIPKRPIP[Thr920Pro]IKDVIGKALQ

ClinVar aggregate classification (germline): Uncertain significance. Review status: criteria provided, multiple submitters, no conflicts (2 of 4 stars). 4 submissions from 4 submitters: Uncertain significance (4). Last evaluated 2025-12-10.

Conditions:
Dihydropyrimidine dehydrogenase deficiency (DPYDD). Also called: DPD DEFICIENCY; DPYD DEFICIENCY; Hereditary Thymine-Uraciluria. Identifiers: Orphanet 1675, MedGen C1959620, MONDO:0010130, OMIM 274270.
Inborn genetic diseases. Identifiers: MedGen C0950123, MeSH D030342.

Allele frequency attached by ClinVar (database versions not stated): gnomAD 0.00001; gnomAD exomes below 0.00001 and 0.00002; TOPMed 0.00002.
gnomAD v4.1: 36 of 1,612,696 alleles (0.0022%); highest among the groups gnomAD compares: Non-Finnish European, 0.003%; no homozygotes.

Submissions (4):

Ambry Genetics
Classification: Uncertain significance for Inborn genetic diseases. Last evaluated: 2025-12-10. Review status: criteria provided, single submitter. Criteria: Ambry Variant Classification Scheme 2023. Collection method: clinical testing. Allele origin: germline.
Comment: The p.T920P variant (also known as c.2758A>C), located in coding exon 21 of the DPYD gene, results from an A to C substitution at nucleotide position 2758. The threonine at codon 920 is replaced by proline, an amino acid with highly similar properties. This amino acid position is conserved. In addition, this alteration is predicted to be tolerated by in silico analysis. Based on the available evidence, the clinical significance of this variant remains unclear.

Genome-Nilou Lab
Classification: Uncertain significance for Dihydropyrimidine dehydrogenase deficiency. Last evaluated: 2023-04-11. Review status: criteria provided, single submitter. Criteria: ACMG Guidelines, 2015. Collection method: clinical testing. Allele origin: germline. Affected: no.

Athena Diagnostics
Classification: Uncertain significance. Last evaluated: 2018-02-20. Review status: criteria provided, single submitter. Criteria: Athena Diagnostics Criteria. Collection method: clinical testing. Allele origin: germline.

Illumina Laboratory Services, Illumina
Classification: Uncertain significance for Dihydropyrimidine dehydrogenase deficiency. Last evaluated: 2018-01-12. Review status: criteria provided, single submitter. Criteria: ICSL Variant Classification Criteria 13 December 2019. Collection method: clinical testing. Allele origin: germline.